The following is an entry in ClinVar:

NM_138420.4(AHNAK2):c.8504C>T (p.Ser2835Leu)

Gene: AHNAK2 (AHNAK nucleoprotein 2; minus strand). Cytogenetic location: 14q32.33.
Variant type: single nucleotide variant.
Coding change: c.8504C>T on transcript NM_138420.4 (MANE Select); coding-DNA position 8504, C replaced by T.
Protein change: p.Ser2835Leu; replaces serine 2835 with leucine.
Molecular consequence: missense variant.
Genome position (GRCh38, 1-based): chr14:104,946,947, G>A on the plus strand (C>T on the coding strand, the complement: AHNAK2 is on the minus strand). VCF-style: chr14-104946947-G-A. GRCh37 (hg19) VCF-style: chr14-105413284-G-A.
Other names: c.8204C>T, p.Ser2735Leu (NM_001350929.2); short protein forms S2835L, S2735L.
Identifiers: ClinVar variation 2352918 (VCV002352918.26), dbSNP rs565631391, ClinGen allele CA7380052.

ClinVar aggregate classification (germline): Conflicting classifications of pathogenicity. Review status: criteria provided, conflicting classifications (1 of 4 stars). 2 submissions from 2 submitters: Uncertain significance (1); Benign (1). Last evaluated 2022-09-01.

Allele frequency attached by ClinVar (database versions not stated): 1000 Genomes Project 30x 0.00031; ExAC 0.00035; 1000 Genomes Project 0.00040; gnomAD 0.00045.
gnomAD v4.1: 419 of 1,611,148 alleles (0.026%); highest among the groups gnomAD compares: Middle Eastern, 0.26%; 5 homozygotes.

Submissions (2):

CeGaT Center for Human Genetics Tuebingen
Classification: Benign. Last evaluated: 2022-09-01. Review status: criteria provided, single submitter. Criteria: CeGaT Center For Human Genetics Tuebingen Variant Classification Criteria Version 2. Collection method: clinical testing. Allele origin: germline. Affected: yes. Observed: 1 variant allele.
Comment: AHNAK2: BS1, BS2

Ambry Genetics
Classification: Uncertain significance. Last evaluated: 2021-10-06. Review status: criteria provided, single submitter. Criteria: Ambry Variant Classification Scheme 2023. Collection method: clinical testing. Allele origin: germline.